The following is an entry in ClinVar:

NM_182641.4(BPTF):c.6857A>G (p.Gln2286Arg)

Gene: BPTF (bromodomain PHD finger transcription factor; plus strand). Cytogenetic location: 17q24.2.
Variant type: single nucleotide variant.
Coding change: c.6857A>G on transcript NM_182641.4 (MANE Select); coding-DNA position 6857, A replaced by G.
Protein change: p.Gln2286Arg; replaces glutamine 2286 with arginine.
Molecular consequence: missense variant.
Genome position (GRCh38, 1-based): chr17:67,945,565, A>G. VCF-style: chr17-67945565-A-G. GRCh37 (hg19) VCF-style: chr17-65941681-A-G.
Other names: c.7235A>G, p.Gln2412Arg (NM_004459.7); short protein forms Q2412R, Q2286R.
Identifiers: ClinVar variation 2016493 (VCV002016493.4), dbSNP rs2065744841, ClinGen allele CA400723689.

ClinVar aggregate classification (germline): Uncertain significance (1 of 4 stars; one submission).

Allele frequency attached by ClinVar (database versions not stated): TOPMed below 0.00001.

Submission:

Labcorp Genetics (formerly Invitae), Labcorp
Classification: Uncertain significance. Last evaluated: 2023-07-10. Review status: criteria provided, single submitter. Criteria: Invitae Variant Classification Sherloc (09022015). Collection method: clinical testing. Allele origin: germline.
Comment: In summary, the available evidence is currently insufficient to determine the role of this variant in disease. Therefore, it has been classified as a Variant of Uncertain Significance. An algorithm developed to predict the effect of missense changes on protein structure and function (PolyPhen-2) suggests that this variant is likely to be tolerated. ClinVar contains an entry for this variant (Variation ID: 2016493). This variant has not been reported in the literature in individuals affected with BPTF-related conditions. This variant is not present in population databases (gnomAD no frequency). This sequence change replaces glutamine, which is neutral and polar, with arginine, which is basic and polar, at codon 2412 of the BPTF protein (p.Gln2412Arg).